The following is an entry in ClinVar:

ClinVar aggregate classification (germline): Uncertain significance (1 of 4 stars; one submission).

Conditions:
Hereditary breast ovarian cancer syndrome. Also called: Hereditary breast and/or ovarian cancer syndrome; Hereditary breast and ovarian cancer; Hereditary breast and ovarian cancer syndrome; Breast and ovarian cancer; Hereditary breast and ovarian cancer syndrome (HBOC); BRCA1- and BRCA2-Associated Hereditary Breast and Ovarian Cancer. Identifiers: Orphanet 145, MedGen C0677776, MeSH D061325, MONDO:0003582. Disease mechanism: loss of function.

Submission:

Labcorp Genetics (formerly Invitae), Labcorp
Classification: Uncertain significance for Hereditary breast ovarian cancer syndrome. Last evaluated: 2022-12-18. Review status: criteria provided, single submitter. Criteria: Invitae Variant Classification Sherloc (09022015). Collection method: clinical testing. Allele origin: germline.
Comment: This sequence change replaces lysine, which is basic and polar, with glutamic acid, which is acidic and polar, at codon 2940 of the BRCA2 protein (p.Lys2940Glu). This variant is not present in population databases (gnomAD no frequency). This variant has not been reported in the literature in individuals affected with BRCA2-related conditions. Advanced modeling of protein sequence and biophysical properties (such as structural, functional, and spatial information, amino acid conservation, physicochemical variation, residue mobility, and thermodynamic stability) performed at Invitae indicates that this missense variant is not expected to disrupt BRCA2 protein function. In summary, the available evidence is currently insufficient to determine the role of this variant in disease. Therefore, it has been classified as a Variant of Uncertain Significance.

NM_000059.4(BRCA2):c.8818A>G (p.Lys2940Glu)

Gene: BRCA2 (BRCA2 DNA repair associated; plus strand). Cytogenetic location: 13q13.1.
Variant type: single nucleotide variant.
Coding change: c.8818A>G on transcript NM_000059.4 (MANE Select); coding-DNA position 8818, A replaced by G.
Protein change: p.Lys2940Glu; replaces lysine 2940 with glutamic acid.
Molecular consequence: missense variant. On other transcripts: non-coding transcript variant (1).
Genome position (GRCh38, 1-based): chr13:32,379,380, A>G. VCF-style: chr13-32379380-A-G. GRCh37 (hg19) VCF-style: chr13-32953517-A-G.
Other names: c.8722A>G, p.Lys2908Glu (NM_001406719.1); c.8818A>G, p.Lys2940Glu (NM_001406720.1); c.3886A>G, p.Lys1296Glu (NM_001406721.1); c.2401A>G, p.Lys801Glu (NM_001406722.1); short protein forms K1296E, K801E, K2908E, K2940E.
Identifiers: ClinVar variation 2821853 (VCV002821853.3), dbSNP rs2548555045, ClinGen allele CA387756102.